The following is an entry in ClinVar:

ClinVar aggregate classification (germline): Likely pathogenic (1 of 4 stars; one submission).

gnomAD v4.1: 7 of 1,613,962 alleles (0.00043%); highest among the groups gnomAD compares: South Asian, 0.0011%; no homozygotes.

Submission:

Dasa
Classification: Likely pathogenic. Last evaluated: 2025-09-23. Review status: criteria provided, single submitter. Criteria: DASA Assertion Criteria. Collection method: clinical testing. Allele origin: germline.
Comment: NM_015378.4(VPS13D):c.10087C>T (p.Arg3363*) is a nonsense variant in VPS13D predicted to introduce a premature termination codon and is predicted to result in an absent or altered protein product. Loss of function is an established disease mechanism for VPS13D-associated disorders. Also, this variant is rare in population databases. Based on the currently available evidence, this variant is classified as likely pathogenic.

NM_015378.4(VPS13D):c.10087C>T (p.Arg3363Ter)

Gene: VPS13D (vacuolar protein sorting 13 homolog D; plus strand). Cytogenetic location: 1p36.22.
Variant type: single nucleotide variant.
Coding change: c.10087C>T on transcript NM_015378.4 (MANE Select); coding-DNA position 10087, C replaced by T.
Protein change: p.Arg3363Ter; replaces arginine 3363 with a stop codon.
Molecular consequence: nonsense.
Genome position (GRCh38, 1-based): chr1:12,358,547, C>T. VCF-style: chr1-12358547-C-T. GRCh37 (hg19) VCF-style: chr1-12418603-C-T.
Other names: c.10012C>T, p.Arg3338Ter (NM_018156.4); short protein forms R3338*, R3363*.
Identifiers: ClinVar variation 4885173 (VCV004885173.2).
Genomic context (GRCh38, chr1:12,358,547, plus strand): 5'-CATCCAGAAGGCATGCCGGGCTGGTGTCAGGGCTTCTCCCTGGATGGTGGTAGTGGTGTC[C>T]GAGCTTTGAAAGTCATCCAGCAAGGAAACCGCCCAGGGCTGATCTATAACATTGGTGGGT-3'